The following is an entry in ClinVar:

ClinVar aggregate classification (germline): Uncertain significance. Review status: criteria provided, multiple submitters, no conflicts (2 of 4 stars). 2 submissions from 2 submitters: Uncertain significance (2). Last evaluated 2026-02-09.

Conditions:
KBG syndrome (KBGS). Also called: ANKRD11-Related KBG Syndrome. Identifiers: Orphanet 2332, MedGen C0220687, MONDO:0007846, OMIM 148050.

Submissions (2):

GeneDx
Classification: Uncertain significance. Last evaluated: 2026-02-09. Review status: criteria provided, single submitter. Criteria: GeneDx Variant Classification Process June 2021. Collection method: clinical testing. Allele origin: germline.
Comment: Not observed at significant frequency in large population cohorts (gnomAD); In-frame deletion of 2 amino acid(s) in a non-repeat region; In silico analysis supports a deleterious effect on protein structure/function; Has not been previously published as pathogenic or benign to our knowledge

Labcorp Genetics (formerly Invitae), Labcorp
Classification: Uncertain significance for KBG syndrome. Last evaluated: 2024-06-20. Review status: criteria provided, single submitter. Criteria: Invitae Variant Classification Sherloc (09022015). Collection method: clinical testing. Allele origin: germline.
Comment: This variant, c.2374_2379del, results in the deletion of 2 amino acid(s) of the ANKRD11 protein (p.Glu792_Lys793del), but otherwise preserves the integrity of the reading frame. This variant is not present in population databases (gnomAD no frequency). This variant has not been reported in the literature in individuals affected with ANKRD11-related conditions. In summary, the available evidence is currently insufficient to determine the role of this variant in disease. Therefore, it has been classified as a Variant of Uncertain Significance.

NM_013275.6(ANKRD11):c.2368GAGAAG[1] (p.790EK[1])

Gene: ANKRD11 (ankyrin repeat domain 11; minus strand). Cytogenetic location: 16q24.3.
Variant type: Microsatellite.
Coding change: c.2368GAGAAG[1] on transcript NM_013275.6 (MANE Select); one copy of the 6-base unit GAGAAG starting at c.2368; the reference has two copies in a row; one copy, 6 bases deleted; also written c.2374_2379del.
Protein change: p.790EK[1].
Molecular consequence: inframe deletion.
Genome position (GRCh38, 1-based): chr16:89,284,163-89,284,168, CTTCTC deleted on the plus strand (GAGAAG on the coding strand, the reverse complement: ANKRD11 is on the minus strand); deleting any 6 consecutive bases within chr16:89,284,163-89,284,174 gives the same sequence; the position shown is the placement nearest the transcript's 3' end. VCF-style (leftmost placement, unchanged base first): chr16-89284162-TCTTCTC-T. GRCh37 (hg19) VCF-style: chr16-89350570-TCTTCTC-T.
Other names: c.2368GAGAAG[1], p.790EK[1] (NM_001256182.2, NM_001256183.2); c.2374_2379del (NM_013275.5).
Identifiers: ClinVar variation 3608992 (VCV003608992.3).